The following is an entry in ClinVar:

NM_001330360.2(POLA1):c.365G>A (p.Arg122His)

Gene: POLA1 (DNA polymerase alpha 1, catalytic subunit; plus strand). Cytogenetic location: Xp22.11.
Variant type: single nucleotide variant.
Coding change: c.365G>A on transcript NM_001330360.2 (MANE Select); coding-DNA position 365, G replaced by A.
Protein change: p.Arg122His; replaces arginine 122 with histidine.
Molecular consequence: missense variant. On other transcripts: non-coding transcript variant (2).
Genome position (GRCh38, 1-based): chrX:24,714,572, G>A. VCF-style: chrX-24714572-G-A. GRCh37 (hg19) VCF-style: chrX-24732689-G-A.
Other names: c.365G>A, p.Arg122His (NM_001378303.1); c.347G>A, p.Arg116His (NM_016937.4); short protein forms R116H, R122H.
Identifiers: ClinVar variation 2716647 (VCV002716647.3), dbSNP rs748968830, ClinGen allele CA10372768.

ClinVar aggregate classification (germline): Uncertain significance (1 of 4 stars; one submission).

Allele frequency attached by ClinVar (database versions not stated): gnomAD 0.00001; gnomAD exomes 0.00001; ExAC 0.00002; TOPMed 0.00006.
gnomAD v4.1: 14 of 1,180,099 alleles (0.0012%); highest among the groups gnomAD compares: South Asian, 0.0019%; no homozygotes.

Submission:

Labcorp Genetics (formerly Invitae), Labcorp
Classification: Uncertain significance. Last evaluated: 2025-11-17. Review status: criteria provided, single submitter. Criteria: Invitae Variant Classification Sherloc (09022015). Collection method: clinical testing. Allele origin: germline.
Comment: This sequence change replaces arginine, which is basic and polar, with histidine, which is basic and polar, at codon 116 of the POLA1 protein (p.Arg116His). The frequency data for this variant in the population databases is considered unreliable, as metrics indicate poor data quality at this position in the gnomAD database. This variant has not been reported in the literature in individuals affected with POLA1-related conditions. ClinVar contains an entry for this variant (Variation ID: 2716647). Invitae Evidence Modeling of protein sequence and biophysical properties (such as structural, functional, and spatial information, amino acid conservation, physicochemical variation, residue mobility, and thermodynamic stability) indicates that this missense variant is not expected to disrupt POLA1 protein function with a negative predictive value of 80%. In summary, the available evidence is currently insufficient to determine the role of this variant in disease. Therefore, it has been classified as a Variant of Uncertain Significance.